The following is an entry in ClinVar:

NM_001783.4(CD79A):c.373G>A (p.Val125Met)

Genes: CD79A (CD79a molecule; plus strand), RPS19-CD79A (RPS19-CD79A readthrough; plus strand). Cytogenetic location: 19q13.2.
Variant type: single nucleotide variant.
Coding change: c.373G>A on transcript NM_001783.4 (MANE Select); coding-DNA position 373, G replaced by A.
Protein change: p.Val125Met; replaces valine 125 with methionine.
Molecular consequence: missense variant. On other transcripts: intron variant (1).
Genome position (GRCh38, 1-based): chr19:41,879,283, G>A. VCF-style: chr19-41879283-G-A. GRCh37 (hg19) VCF-style: chr19-42383353-G-A.
Other names: p.Val125Met; c.265+108G>A (NM_021601.4); short protein forms V125M.
Identifiers: ClinVar variation 1035578 (VCV001035578.11), dbSNP rs548487112, ClinGen allele CA9465567.

ClinVar aggregate classification (germline): Uncertain significance. Review status: criteria provided, multiple submitters, no conflicts (2 of 4 stars). 2 submissions from 2 submitters: Uncertain significance (2). Last evaluated 2021-08-10.

Conditions:
Agammaglobulinemia 3, autosomal recessive (AGM3). Also called: AGAMMAGLOBULINEMIA 3; AGAMMAGLOBULINEMIA, AUTOSOMAL RECESSIVE, DUE TO CD79A DEFECT. Identifiers: MedGen C3150751, MONDO:0013288, OMIM 613501.

Allele frequency attached by ClinVar (database versions not stated): gnomAD 0.00001; TOPMed 0.00001; gnomAD exomes 0.00002; ExAC 0.00004; 1000 Genomes Project 0.00020; 1000 Genomes Project 30x 0.00031.

Submissions (2):

Mayo Clinic Laboratories, Mayo Clinic
Classification: Uncertain significance. Last evaluated: 2021-08-10. Review status: criteria provided, single submitter. Criteria: ACMG Guidelines, 2015. Collection method: clinical testing. Allele origin: germline.

Labcorp Genetics (formerly Invitae), Labcorp
Classification: Uncertain significance for Agammaglobulinemia 3, autosomal recessive. Last evaluated: 2020-01-18. Review status: criteria provided, single submitter. Criteria: Invitae Variant Classification Sherloc (09022015). Collection method: clinical testing. Allele origin: germline.
Comment: In summary, the available evidence is currently insufficient to determine the role of this variant in disease. Therefore, it has been classified as a Variant of Uncertain Significance. Algorithms developed to predict the effect of missense changes on protein structure and function are either unavailable or do not agree on the potential impact of this missense change (SIFT: "Deleterious"; PolyPhen-2: "Probably Damaging"; Align-GVGD: "Class C0"). This variant has not been reported in the literature in individuals with CD79A-related conditions. This variant is present in population databases (rs548487112, ExAC 0.03%). This sequence change replaces valine with methionine at codon 125 of the CD79A protein (p.Val125Met). The valine residue is highly conserved and there is a small physicochemical difference between valine and methionine.